The following is an entry in ClinVar:

NM_001273.5(CHD4):c.3289G>A (p.Asp1097Asn)

Gene: CHD4 (chromodomain helicase DNA binding protein 4; minus strand). Cytogenetic location: 12p13.31.
Variant type: single nucleotide variant.
Coding change: c.3289G>A on transcript NM_001273.5 (MANE Select); coding-DNA position 3289, G replaced by A.
Protein change: p.Asp1097Asn; replaces aspartic acid 1097 with asparagine.
Molecular consequence: missense variant.
Genome position (GRCh38, 1-based): chr12:6,591,517, C>T on the plus strand (G>A on the coding strand, the complement: CHD4 is on the minus strand). VCF-style: chr12-6591517-C-T. GRCh37 (hg19) VCF-style: chr12-6700683-C-T.
Other names: c.3268G>A, p.Asp1090Asn (NM_001297553.2); c.3250G>A, p.Asp1084Asn (NM_001363606.2); short protein forms D1084N, D1090N, D1097N.
Identifiers: ClinVar variation 2574854 (VCV002574854.2), dbSNP rs2540395935, ClinGen allele CA383585047.

ClinVar aggregate classification (germline): Conflicting classifications of pathogenicity. Review status: criteria provided, conflicting classifications (1 of 4 stars). 2 submissions from 2 submitters: Likely pathogenic (1); Uncertain significance (1). Last evaluated 2025-12-08.

Conditions:
Sifrim-Hitz-Weiss syndrome (SIHIWES). Also called: SIFRIM-HITZ-WEISS MULTIPLE CONGENITAL ANOMALIES-MENTAL RETARDATION SYNDROME; CHD4 Neurodevelopmental Disorder. Identifiers: Orphanet 653712, MedGen C4310688, MONDO:0014946, OMIM 617159.

Submissions (2):

Institute of Human Genetics, Heidelberg University
Classification: Likely pathogenic for Sifrim-Hitz-Weiss syndrome. Last evaluated: 2025-12-08. Review status: criteria provided, single submitter. Criteria: ACMG Guidelines, 2015. Collection method: clinical testing. Allele origin: maternal. Affected: yes. Observed: 2 variant alleles.
Comment: PM1, PP3_MOD, PM2_SUP, PP2

GeneDx
Classification: Uncertain significance. Last evaluated: 2023-02-02. Review status: criteria provided, single submitter. Criteria: GeneDx Variant Classification Process June 2021. Collection method: clinical testing. Allele origin: germline. Affected: yes.
Comment: Not observed at significant frequency in large population cohorts (gnomAD); In silico analysis supports that this missense variant has a deleterious effect on protein structure/function; Has not been previously published as pathogenic or benign to our knowledge